The following is an entry in ClinVar:

ClinVar aggregate classification (germline): Pathogenic/Likely pathogenic. Review status: criteria provided, multiple submitters, no conflicts (2 of 4 stars). 4 submissions from 4 submitters: Pathogenic (1); Likely pathogenic (2). 1 of the submissions does not count toward it. Last evaluated 2024-09-20.

Conditions:
Coagulation factor deficiency syndrome. Identifiers: MedGen C0272315.
Hereditary factor XI deficiency disease. Also called: Congenital factor XI deficiency; PLASMA THROMBOPLASTIN ANTECEDENT DEFICIENCY; PTA DEFICIENCY; ROSENTHAL SYNDROME. Identifiers: Orphanet 329, MedGen C0015523, MeSH D005173, MONDO:0012897, OMIM 612416.

Allele frequency attached by ClinVar (database versions not stated): gnomAD 0.00001; TOPMed 0.00001.
gnomAD v4.1: 5 of 1,614,226 alleles (0.00031%); highest among the groups gnomAD compares: Non-Finnish European, 0.00042%; no homozygotes.

Submissions (4):

Women's Health and Genetics/Laboratory Corporation of America, LabCorp
Classification: Pathogenic for Hereditary factor XI deficiency disease. Last evaluated: 2024-09-20. Review status: criteria provided, single submitter. Criteria: LabCorp Variant Classification Summary - May 2015. Collection method: clinical testing. Allele origin: germline.
Comment: Variant summary: F11 c.1207G>A (p.Val403Met) results in a conservative amino acid change in the encoded protein sequence. Four of five in-silico tools predict a damaging effect of the variant on protein function. The variant was absent in 251482 control chromosomes (gnomAD). c.1207G>A has been reported in the literature in a homozygous individual affected with Hereditary factor XI deficiency disease (Dai_2011), as well as 2 heterozygous individuals reported to have a coagulation disorder (Downes_2019). These data indicate that the variant is likely to be associated with disease. At least one publication reports experimental evidence evaluating an impact on protein function, finding that the variant resulted in sharply decreased extracellular secretion (5.7% of wild type antigen level), as well as inhibiting secretion of heterodimers of the mutant and wild type protein (Dai_2011), suggesting a possible dominant negative effect. The following publications have been ascertained in the context of this evaluation (PMID: 21457405, 31064749). ClinVar contains an entry for this variant (Variation ID: 68173). Based on the evidence outlined above, the variant was classified as pathogenic.

NIHR Bioresource Rare Diseases, University of Cambridge
Classification: Likely pathogenic for Coagulation factor deficiency syndrome. Last evaluated: 2019-02-01. Review status: criteria provided, single submitter. Criteria: ACMG Guidelines, 2015. Collection method: research. Allele origin: unknown. Affected: yes. Observed: 2 heterozygotes. Study: ThromboGenomics.

ISTH-SSC Genomics in Thrombosis and Hemostasis, KU Leuven, Center for Molecular and Vascular Biology
Classification: Likely pathogenic for Hereditary factor XI deficiency disease. Review status: criteria provided, single submitter. Criteria: ACMG Guidelines, 2015. Collection method: clinical testing. Allele origin: unknown. Affected: yes.
Comment: Submitted to GoldVariant by Kathleen Freson, Center for Molecular and Vascular Biology, Leuven, Belgium

UniProtKB/Swiss-Prot
No classification provided. Review status: no classification provided. Collection method: not provided. Allele origin: not provided. Not counted in ClinVar's aggregate classification.

Literature cited by the submitters: PubMed 31064749 (cited by Women's Health and Genetics/Laboratory Corporation of America, LabCorp and NIHR Bioresource Rare Diseases, University of Cambridge); PubMed 21457405 (cited by Women's Health and Genetics/Laboratory Corporation of America, LabCorp); PubMed 34355501 (cited by ISTH-SSC Genomics in Thrombosis and Hemostasis, KU Leuven, Center for Molecular and Vascular Biology).

NM_000128.4(F11):c.1207G>A (p.Val403Met)

Gene: F11 (coagulation factor XI; plus strand). Cytogenetic location: 4q35.2.
Variant type: single nucleotide variant.
Coding change: c.1207G>A on transcript NM_000128.4 (MANE Select); coding-DNA position 1207, G replaced by A.
Protein change: p.Val403Met; replaces valine 403 with methionine.
Molecular consequence: missense variant.
Genome position (GRCh38, 1-based): chr4:186,284,163, G>A. VCF-style: chr4-186284163-G-A. GRCh37 (hg19) VCF-style: chr4-187205317-G-A.
Other names: short protein forms V403M.
Identifiers: ClinVar variation 68173 (VCV000068173.5), dbSNP rs281875266, ClinGen allele CA219102.